The following is an entry in ClinVar:

ClinVar aggregate classification (germline): Likely pathogenic (0 of 4 stars; one submission).

Conditions:
TUBB2B-related disorder. Also called: TUBB2B-related condition.

Submission:

PreventionGenetics, part of Exact Sciences
Classification: Likely pathogenic for TUBB2B-related condition. Last evaluated: 2024-03-21. Review status: no assertion criteria provided. Collection method: clinical testing. Allele origin: germline.
Comment: The TUBB2B c.1139G>C variant is predicted to result in the amino acid substitution p.Arg380Pro. This variant was reported as somatic variant in one individual with Pachygyria (Jamuar et al. 2014. PubMed ID: 25140959). This variant was also reported in two individuals with Lennox-Gastaut syndrome/Malformation of cortical Development (Lee et al. 2019. PubMed ID: 31481326; Na et al. 2020. PubMed ID: 32139178). This variant has not been reported in a large population database, indicating this variant is rare. This variant is interpreted as likely pathogenic.

NM_178012.5(TUBB2B):c.1139G>C (p.Arg380Pro)

Gene: TUBB2B (tubulin beta 2B class IIb; minus strand). Cytogenetic location: 6p25.2.
Variant type: single nucleotide variant.
Coding change: c.1139G>C on transcript NM_178012.5 (MANE Select); coding-DNA position 1139, G replaced by C.
Protein change: p.Arg380Pro; replaces arginine 380 with proline.
Molecular consequence: missense variant.
Genome position (GRCh38, 1-based): chr6:3,224,950, C>G on the plus strand (G>C on the coding strand, the complement: TUBB2B is on the minus strand). VCF-style: chr6-3224950-C-G. GRCh37 (hg19) VCF-style: chr6-3225184-C-G.
Other names: short protein forms R380P.
Identifiers: ClinVar variation 3348296 (VCV003348296.1).
Genomic context (GRCh38, chr6:3,224,950, plus strand): 5'-CCCGTGTACCAGTGCAGGAAGGCCTTGCGCCGGAACATGGCCGTGAACTGCTCGGAGATG[C>G]GCTTGAACAGCTCCTGGATGGCCGTGCTGTTGCCGATGAAGGTGGCCGACATCTTCAGGC-3'
Protein context (NP_821080.1, residues 370-390): NSTAIQELFK[Arg380Pro]ISEQFTAMFR